The following is an entry in ClinVar:

NM_001379200.1(TBX1):c.438G>A (p.Arg146=)

Gene: TBX1 (T-box transcription factor 1; plus strand). Cytogenetic location: 22q11.21.
Variant type: single nucleotide variant.
Coding change: c.438G>A on transcript NM_001379200.1 (MANE Select); coding-DNA position 438, G replaced by A.
Protein change: p.Arg146=; no amino-acid change (arginine 146 retained).
Molecular consequence: synonymous variant.
Genome position (GRCh38, 1-based): chr22:19,763,241, G>A. VCF-style: chr22-19763241-G-A. GRCh37 (hg19) VCF-style: chr22-19750764-G-A.
Other names: c.411G>A, p.Arg137= (NM_005992.1, NM_080646.2, NM_080647.1).
Identifiers: ClinVar variation 1361229 (VCV001361229.8), dbSNP rs2145832204, ClinGen allele CA513360986.

ClinVar aggregate classification (germline): Uncertain significance (1 of 4 stars; one submission).

Conditions:
DiGeorge syndrome. Also called: THIRD AND FOURTH PHARYNGEAL POUCH SYNDROME; Catch22. Identifiers: Orphanet 567, MedGen C0012236, MONDO:0008564, OMIM 188400.

Submission:

Labcorp Genetics (formerly Invitae), Labcorp
Classification: Uncertain significance for DiGeorge syndrome. Last evaluated: 2022-10-11. Review status: criteria provided, single submitter. Criteria: Invitae Variant Classification Sherloc (09022015). Collection method: clinical testing. Allele origin: germline.
Comment: In summary, the available evidence is currently insufficient to determine the role of this variant in disease. Therefore, it has been classified as a Variant of Uncertain Significance. This sequence change affects codon 137 of the TBX1 mRNA. It is a 'silent' change, meaning that it does not change the encoded amino acid sequence of the TBX1 protein. It affects a nucleotide within the consensus splice site. This variant is not present in population databases (gnomAD no frequency). This variant has not been reported in the literature in individuals affected with TBX1-related conditions. ClinVar contains an entry for this variant (Variation ID: 1361229). Algorithms developed to predict the effect of sequence changes on RNA splicing suggest that this variant may create or strengthen a splice site.